The following is an entry in ClinVar:

ClinVar aggregate classification (germline): Uncertain significance (1 of 4 stars; one submission).

Conditions:
Shashi-Pena syndrome (SHAPNS). Identifiers: Orphanet 689408, MedGen C4310672, MONDO:0014963, OMIM 617190.

Submission:

Juno Genomics, Hangzhou Juno Genomics, Inc
Classification: Uncertain significance for Shashi-Pena syndrome. Review status: criteria provided, single submitter. Criteria: ACMG Guidelines, 2015. Collection method: clinical testing. Allele origin: germline.
Comment: Absent from controls (or at extremely low frequency if recessive) in Genome Aggregation Database.;Null variant in a gene where loss of function (LOF) is a known mechanism of disease.

NM_018263.6(ASXL2):c.55_57+15del

Gene: ASXL2 (ASXL transcriptional regulator 2; minus strand). Cytogenetic location: 2p23.3.
Variant type: Deletion.
Coding change: c.55_57+15del on transcript NM_018263.6 (MANE Select); coding-DNA position 55 through 15 bases into the intron after coding-DNA position 57, 18 bases deleted (ACGGTAAGGGGGAGGGAG).
Molecular consequence: splice donor variant.
Genome position (GRCh38, 1-based): chr2:25,878,151-25,878,168, CTCCCTCCCCCTTACCGT deleted on the plus strand (ACGGTAAGGGGGAGGGAG on the coding strand, the reverse complement: ASXL2 is on the minus strand); deleting any 18 consecutive bases within chr2:25,878,151-25,878,170 gives the same sequence; the c. name uses the placement nearest the transcript's 3' end. VCF-style (leftmost placement, unchanged base first): chr2-25878150-GCTCCCTCCCCCTTACCGT-G. GRCh37 (hg19) VCF-style: chr2-26101019-GCTCCCTCCCCCTTACCGT-G.
Identifiers: ClinVar variation 5018537 (VCV005018537.2).
Genomic context (GRCh38, chr2:25,878,150, plus strand): 5'-CTCCCTTTCCCTGCGACTGGCGGGCGACAAGGGAACAAAATCCTCCCGGCCTTCCCCTTC[GCTCCCTCCCCCTTACCGT>G]CTTGGCGGCCTCCGCCCAGGTCCTGCCCTTCTTCCTACGTCCCTTTTCCCTCATGTCGGG-3'